The following is an entry in ClinVar:

ClinVar aggregate classification (germline): Uncertain significance (1 of 4 stars; one submission).

Conditions:
Early onset severe obesity. Identifiers: MedGen C4013980.

Submission:

Cambridge Genomics Laboratory, East Genomic Laboratory Hub, NHS Genomic Medicine Service
Classification: Uncertain significance for Severe early-onset obesity. Last evaluated: 2026-02-03. Review status: criteria provided, single submitter. Criteria: ACGS Best Practice Guidelines for Variant Classification in Rare Disease 2020. Collection method: clinical testing. Allele origin: germline. Affected: yes.
Comment: PM2,BP4

NM_005068.3(SIM1):c.1271A>G (p.Asp424Gly)

Genes: SIM1 (SIM bHLH transcription factor 1; minus strand), SIM1-AS1 (SIM1 antisense RNA 1; plus strand). Cytogenetic location: 6q16.3.
Variant type: single nucleotide variant.
Coding change: c.1271A>G on transcript NM_005068.3 (MANE Select); coding-DNA position 1271, A replaced by G.
Protein change: p.Asp424Gly; replaces aspartic acid 424 with glycine.
Molecular consequence: missense variant. On other transcripts: non-coding transcript variant (1).
Genome position (GRCh38, 1-based): chr6:100,393,786, T>C on the plus strand (A>G on the coding strand, the complement: SIM1 is on the minus strand). VCF-style: chr6-100393786-T-C. GRCh37 (hg19) VCF-style: chr6-100841662-T-C.
Other names: c.1271A>G, p.Asp424Gly (NM_001374769.1); short protein forms D424G.
Identifiers: ClinVar variation 4795969 (VCV004795969.1).